The following is an entry in ClinVar:

NM_001365951.3(KIF1B):c.1108C>T (p.Arg370Cys)

Gene: KIF1B (kinesin family member 1B; plus strand). Cytogenetic location: 1p36.22.
Variant type: single nucleotide variant.
Coding change: c.1108C>T on transcript NM_001365951.3 (MANE Select); coding-DNA position 1108, C replaced by T.
Protein change: p.Arg370Cys; replaces arginine 370 with cysteine.
Molecular consequence: missense variant.
Genome position (GRCh38, 1-based): chr1:10,278,056, C>T. VCF-style: chr1-10278056-C-T. GRCh37 (hg19) VCF-style: chr1-10338114-C-T.
Other names: c.1108C>T, p.Arg370Cys (NM_001365952.1); c.1090C>T, p.Arg364Cys (NM_001365953.1, NM_015074.3, NM_183416.4); short protein forms R370C, R364C.
Identifiers: ClinVar variation 1789188 (VCV001789188.4), dbSNP rs1649209379, ClinGen allele CA338334219.

ClinVar aggregate classification (germline): Uncertain significance. Review status: criteria provided, multiple submitters, no conflicts (2 of 4 stars). 2 submissions from 2 submitters: Uncertain significance (2). Last evaluated 2024-07-07.

Allele frequency attached by ClinVar (database versions not stated): gnomAD exomes below 0.00001; TOPMed below 0.00001; gnomAD 0.00001.
gnomAD v4.1: 4 of 1,613,756 alleles (0.00025%); highest among the groups gnomAD compares: Non-Finnish European, 0.00017%; no homozygotes.

Submissions (2):

Ambry Genetics
Classification: Uncertain significance. Last evaluated: 2024-07-07. Review status: criteria provided, single submitter. Criteria: Ambry Variant Classification Scheme 2023. Collection method: clinical testing. Allele origin: germline.
Comment: The p.R364C variant (also known as c.1090C>T), located in coding exon 11 of the KIF1B gene, results from a C to T substitution at nucleotide position 1090. The arginine at codon 364 is replaced by cysteine, an amino acid with highly dissimilar properties. This amino acid position is highly conserved in available vertebrate species. In addition, this alteration is predicted to be deleterious by in silico analysis. Since supporting evidence is limited at this time, the clinical significance of this alteration remains unclear.

Women's Health and Genetics/Laboratory Corporation of America, LabCorp
Classification: Uncertain significance. Last evaluated: 2023-12-13. Review status: criteria provided, single submitter. Criteria: LabCorp Variant Classification Summary - May 2015. Collection method: clinical testing. Allele origin: germline.
Comment: Variant summary: KIF1B c.1090C>T (p.Arg364Cys) results in a non-conservative amino acid change located in the Kinesin-associated (IPR032405) of the encoded protein sequence. Five of five in-silico tools predict a damaging effect of the variant on protein function. The frequency data for this variant in gnomAD is considered unreliable, as metrics indicate poor data quality at this position. To our knowledge, no occurrence of c.1090C>T in individuals affected with KIF1B-Related Disorders and no experimental evidence demonstrating its impact on protein function have been reported. One submitter has cited clinical-significance assessments for this variant to ClinVar after 2014 and has classified the variant as uncertain significance. Based on the evidence outlined above, the variant was classified as uncertain significance.